The following is an entry in ClinVar:

ClinVar aggregate classification (germline): Uncertain significance. Review status: criteria provided, multiple submitters, no conflicts (2 of 4 stars). 3 submissions from 3 submitters: Uncertain significance (3). Last evaluated 2024-11-09.

Conditions:
Poikiloderma with neutropenia (PN). Identifiers: Orphanet 221046, MedGen C1858723, MONDO:0011405, OMIM 604173.

Allele frequency attached by ClinVar (database versions not stated): gnomAD exomes 0.00002 and 0.00003; TOPMed 0.00002; ExAC 0.00003.
gnomAD v4.1: 27 of 1,613,882 alleles (0.0017%); highest among the groups gnomAD compares: East Asian, 0.06%; no homozygotes.

Submissions (3):

Labcorp Genetics (formerly Invitae), Labcorp
Classification: Uncertain significance. Last evaluated: 2024-11-09. Review status: criteria provided, single submitter. Criteria: Invitae Variant Classification Sherloc (09022015). Collection method: clinical testing. Allele origin: germline.
Comment: This sequence change replaces glycine, which is neutral and non-polar, with serine, which is neutral and polar, at codon 34 of the USB1 protein (p.Gly34Ser). This variant is present in population databases (rs769630452, gnomAD 0.03%). This missense change has been observed in individual(s) with clinical features of Rothmund-Thomson syndrome (PMID: 32369273). ClinVar contains an entry for this variant (Variation ID: 1355272). An algorithm developed to predict the effect of missense changes on protein structure and function (PolyPhen-2) suggests that this variant is likely to be tolerated. In summary, the available evidence is currently insufficient to determine the role of this variant in disease. Therefore, it has been classified as a Variant of Uncertain Significance.

Fulgent Genetics
Classification: Uncertain significance for Poikiloderma with neutropenia. Last evaluated: 2024-03-20. Review status: criteria provided, single submitter. Criteria: ACMG Guidelines, 2015. Collection method: clinical testing. Allele origin: germline.

Mayo Clinic Laboratories, Mayo Clinic
Classification: Uncertain significance. Last evaluated: 2021-04-07. Review status: criteria provided, single submitter. Criteria: ACMG Guidelines, 2015. Collection method: clinical testing. Allele origin: germline.

Literature cited by the submitters: PubMed 32369273 (cited by Labcorp Genetics (formerly Invitae), Labcorp).

NM_024598.4(USB1):c.100G>A (p.Gly34Ser)

Gene: USB1 (U6 snRNA biogenesis phosphodiesterase 1; plus strand). Cytogenetic location: 16q21.
Variant type: single nucleotide variant.
Coding change: c.100G>A on transcript NM_024598.4 (MANE Select); coding-DNA position 100, G replaced by A.
Protein change: p.Gly34Ser; replaces glycine 34 with serine.
Molecular consequence: missense variant. On other transcripts: 5 prime UTR variant (1).
Genome position (GRCh38, 1-based): chr16:58,002,480, G>A. VCF-style: chr16-58002480-G-A. GRCh37 (hg19) VCF-style: chr16-58036384-G-A.
Other names: p.Gly34Ser; c.100G>A, p.Gly34Ser (NM_001195302.2, NM_001204911.2, NM_001330569.2); c.-54G>A (NM_001330568.2); short protein forms G34S.
Identifiers: ClinVar variation 1355272 (VCV001355272.10), dbSNP rs769630452, ClinGen allele CA8084804.
Genomic context (GRCh38, chr16:58,002,480, plus strand): 5'-ACAAAGGTAGAGAATGCTAACAGGATAAATGTACTCATTTTTCTTTTTTTCTTTTGCAGT[G>A]GCCAGAGCCCCCTTCCCAGGCAGAGATTTCCAGTACCTGACAGTGTGCTGAACATGTTCC-3'
Protein context (NP_078874.2, residues 24-44): TRPGDGSHRR[Gly34Ser]QSPLPRQRFP